The following is an entry in ClinVar:

NM_173354.5(SIK1):c.938A>G (p.Gln313Arg)

Gene: SIK1 (salt inducible kinase 1; minus strand). Cytogenetic location: 21q22.3.
Variant type: single nucleotide variant.
Coding change: c.938A>G on transcript NM_173354.5 (MANE Select); coding-DNA position 938, A replaced by G.
Protein change: p.Gln313Arg; replaces glutamine 313 with arginine.
Molecular consequence: missense variant.
Genome position (GRCh38, 1-based): chr21:43,420,268, T>C on the plus strand (A>G on the coding strand, the complement: SIK1 is on the minus strand). VCF-style: chr21-43420268-T-C. GRCh37 (hg19) VCF-style: chr21-44840148-T-C.
Other names: short protein forms Q313R.
Identifiers: ClinVar variation 1041574 (VCV001041574.38), dbSNP rs1352926525, ClinGen allele CA410609091.
Genomic context (GRCh38, chr21:43,420,268, plus strand): 5'-GCCAGGGCAAGTGTGGCCAGGCTCACCTCCACCGTCCTCTGCCGGTCCACGCCCAGGGTC[T>C]GCATGATACCCAGCGCCTGCTCATCGTAGTCGCCCAGGTTGGAGGTGTAGCTGTGTGCGG-3'
Protein context (NP_775490.2, residues 303-323): DYDEQALGIM[Gln313Arg]TLGVDRQRTV

ClinVar aggregate classification (germline): Conflicting classifications of pathogenicity. Review status: criteria provided, conflicting classifications (1 of 4 stars). 2 submissions from 2 submitters: Uncertain significance (1); Likely benign (1). Last evaluated 2023-07-17.

Conditions:
Developmental and epileptic encephalopathy, 30 (DEE30). Also called: Epileptic encephalopathy, early infantile, 30. Identifiers: MedGen C4225360, MONDO:0014595, OMIM 616341.

Allele frequency attached by ClinVar (database versions not stated): gnomAD exomes 0.00001.

Submissions (2):

Labcorp Genetics (formerly Invitae), Labcorp
Classification: Uncertain significance for Developmental and epileptic encephalopathy, 30. Last evaluated: 2023-07-17. Review status: criteria provided, single submitter. Criteria: Invitae Variant Classification Sherloc (09022015). Collection method: clinical testing. Allele origin: germline.
Comment: In summary, the available evidence is currently insufficient to determine the role of this variant in disease. Therefore, it has been classified as a Variant of Uncertain Significance. Advanced modeling of protein sequence and biophysical properties (such as structural, functional, and spatial information, amino acid conservation, physicochemical variation, residue mobility, and thermodynamic stability) performed at Invitae indicates that this missense variant is not expected to disrupt SIK1 protein function. ClinVar contains an entry for this variant (Variation ID: 1041574). This variant has not been reported in the literature in individuals affected with SIK1-related conditions. The frequency data for this variant in the population databases is considered unreliable, as metrics indicate poor data quality at this position in the gnomAD database. This sequence change replaces glutamine, which is neutral and polar, with arginine, which is basic and polar, at codon 313 of the SIK1 protein (p.Gln313Arg).

CeGaT Center for Human Genetics Tuebingen
Classification: Likely benign. Last evaluated: 2022-09-01. Review status: criteria provided, single submitter. Criteria: CeGaT Center For Human Genetics Tuebingen Variant Classification Criteria Version 2. Collection method: clinical testing. Allele origin: germline. Affected: yes. Observed: 1 variant allele.
Comment: SIK1: BP4, BP5